The following is an entry in ClinVar:

ClinVar aggregate classification (germline): Uncertain significance. Review status: criteria provided, multiple submitters, no conflicts (2 of 4 stars). 3 submissions from 3 submitters: Uncertain significance (3). Last evaluated 2024-11-11.

Conditions:
Colorectal cancer, susceptibility to, 1. Also called: COLORECTAL ADENOMA AND CANCER, SUSCEPTIBILITY TO; COLORECTAL CANCER, SUSCEPTIBILITY TO, ON CHROMOSOME 9. Identifiers: MedGen C1837315, MONDO:0012132, OMIM 608812.

Allele frequency attached by ClinVar (database versions not stated): gnomAD 0.00001; TOPMed 0.00002; ESP Exome Variant Server 0.00008.

Submissions (3):

Ambry Genetics
Classification: Uncertain significance. Last evaluated: 2024-11-11. Review status: criteria provided, single submitter. Criteria: Ambry Variant Classification Scheme 2023. Collection method: clinical testing. Allele origin: germline.
Comment: The p.R201C variant (also known as c.601C>T), located in coding exon 3 of the GALNT12 gene, results from a C to T substitution at nucleotide position 601. The arginine at codon 201 is replaced by cysteine, an amino acid with highly dissimilar properties. This variant has been identified in at least one patient with a personal and family history of breast and/or ovarian cancer (Maxwell KN et al. Am J Hum Genet, 2016 May;98:801-817). This amino acid position is highly conserved in available vertebrate species. In addition, this alteration is predicted to be deleterious by in silico analysis. The evidence for this gene-disease relationship is limited; therefore, the clinical significance of this alteration is unclear.

Baylor Genetics
Classification: Uncertain significance for Colorectal cancer, susceptibility to, 1. Last evaluated: 2023-06-06. Review status: criteria provided, single submitter. Criteria: ACMG Guidelines, 2015. Collection method: clinical testing. Allele origin: unknown.

Labcorp Genetics (formerly Invitae), Labcorp
Classification: Uncertain significance. Last evaluated: 2023-05-20. Review status: criteria provided, single submitter. Criteria: Invitae Variant Classification Sherloc (09022015). Collection method: clinical testing. Allele origin: germline.
Comment: This variant is present in population databases (rs372616005, gnomAD 0.007%). This variant has not been reported in the literature in individuals affected with GALNT12-related conditions. ClinVar contains an entry for this variant (Variation ID: 1751115). Advanced modeling of protein sequence and biophysical properties (such as structural, functional, and spatial information, amino acid conservation, physicochemical variation, residue mobility, and thermodynamic stability) performed at Invitae indicates that this missense variant is expected to disrupt GALNT12 protein function. In summary, the available evidence is currently insufficient to determine the role of this variant in disease. Therefore, it has been classified as a Variant of Uncertain Significance. This sequence change replaces arginine, which is basic and polar, with cysteine, which is neutral and slightly polar, at codon 201 of the GALNT12 protein (p.Arg201Cys).

Literature cited by the submitters: PubMed 27153395 (cited by Ambry Genetics).

NM_024642.5(GALNT12):c.601C>T (p.Arg201Cys)

Gene: GALNT12 (polypeptide N-acetylgalactosaminyltransferase 12; plus strand). Cytogenetic location: 9q22.33.
Variant type: single nucleotide variant.
Coding change: c.601C>T on transcript NM_024642.5 (MANE Select); coding-DNA position 601, C replaced by T.
Protein change: p.Arg201Cys; replaces arginine 201 with cysteine.
Molecular consequence: missense variant.
Genome position (GRCh38, 1-based): chr9:98,826,811, C>T. VCF-style: chr9-98826811-C-T. GRCh37 (hg19) VCF-style: chr9-101589093-C-T.
Other names: short protein forms R201C.
Identifiers: ClinVar variation 1751115 (VCV001751115.7), dbSNP rs372616005, ClinGen allele CA5153999.